The following is an entry in ClinVar:

ClinVar aggregate classification (germline): Uncertain significance (1 of 4 stars; one submission).

Submission:

Labcorp Genetics (formerly Invitae), Labcorp
Classification: Uncertain significance. Last evaluated: 2022-06-08. Review status: criteria provided, single submitter. Criteria: Invitae Variant Classification Sherloc (09022015). Collection method: clinical testing. Allele origin: germline.
Comment: This sequence change creates a premature translational stop signal (p.Asp496Glyfs*2) in the POLD2 gene. While this is not anticipated to result in nonsense mediated decay, it is expected to disrupt the last 9 amino acid(s) of the POLD2 protein. In summary, the available evidence is currently insufficient to determine the role of this variant in disease. Therefore, it has been classified as a Variant of Uncertain Significance. Experimental studies and prediction algorithms are not available or were not evaluated, and the functional significance of this variant is currently unknown. This variant has not been reported in the literature in individuals affected with POLD2-related conditions. This variant is not present in population databases (gnomAD no frequency).

NM_006230.4(POLD2):c.1378_1381dup (p.Asp461delinsGlyTer)

Gene: POLD2 (DNA polymerase delta 2, accessory subunit; minus strand). Cytogenetic location: 7p13.
Variant type: Duplication.
Coding change: c.1378_1381dup on transcript NM_006230.4 (MANE Select); coding-DNA positions 1378 to 1381, 4 bases duplicated (GATG; older notation c.1378_1381dupGATG).
Protein change: p.Asp461delinsGlyTer.
Molecular consequence: nonsense.
Genome position (GRCh38, 1-based): chr7:44,114,814-44,114,817, CATC duplicated on the plus strand (GATG on the coding strand, the reverse complement: POLD2 is on the minus strand). VCF-style (leftmost placement, unchanged base first): chr7-44114813-T-TCATC. GRCh37 (hg19) VCF-style: chr7-44154412-T-TCATC.
Other names: c.1378_1381dup, p.Asp461delinsGlyTer (NM_001127218.3, NM_001256879.2).
Identifiers: ClinVar variation 2002757 (VCV002002757.4), dbSNP rs2484371480, ClinGen allele CA2580077167.